The following is an entry in ClinVar:

ClinVar aggregate classification (germline): Uncertain significance (1 of 4 stars; one submission).

Conditions:
Congenital contractures of the limbs and face, hypotonia, and developmental delay (CLIFAHDD). Identifiers: Orphanet 562528, MedGen C4225398, MONDO:0014556, OMIM 616266.

Submission:

3billion
Classification: Uncertain significance for Congenital contractures of the limbs and face, hypotonia, and developmental delay. Last evaluated: 2024-06-28. Review status: criteria provided, single submitter. Criteria: ACMG Guidelines, 2015. Collection method: clinical testing. Allele origin: germline. Affected: yes.
Comment: The variant is not observed in the gnomAD v4.0.0 dataset. Predicted Consequence/Location: Missense variant In silico tool predictions suggest damaging effect of the variant on gene or gene product [REVEL: 0.93 (>=0.6, sensitivity 0.68 and specificity 0.92); 3Cnet: 0.90 (>=0.6, sensitivity 0.72 and precision 0.9)]. Therefore, this variant is classified as VUS according to the recommendation of ACMG/AMP guideline.

NM_052867.4(NALCN):c.4136T>G (p.Ile1379Ser)

Gene: NALCN (sodium leak channel, non-selective; minus strand). Cytogenetic location: 13q32.3.
Variant type: single nucleotide variant.
Coding change: c.4136T>G on transcript NM_052867.4 (MANE Select); coding-DNA position 4136, T replaced by G.
Protein change: p.Ile1379Ser; replaces isoleucine 1379 with serine.
Molecular consequence: missense variant.
Genome position (GRCh38, 1-based): chr13:101,073,645, A>C on the plus strand (T>G on the coding strand, the complement: NALCN is on the minus strand). VCF-style: chr13-101073645-A-C. GRCh37 (hg19) VCF-style: chr13-101725997-A-C.
Other names: c.4223T>G, p.Ile1408Ser (NM_001350748.2); c.4136T>G, p.Ile1379Ser (NM_001350749.2); c.4049T>G, p.Ile1350Ser (NM_001350750.2, NM_001350751.2); short protein forms I1350S, I1379S, I1408S.
Identifiers: ClinVar variation 4292750 (VCV004292750.1).